The following is an entry in ClinVar:

ClinVar aggregate classification (germline): Uncertain significance. Review status: criteria provided, multiple submitters, no conflicts (2 of 4 stars). 2 submissions from 2 submitters: Uncertain significance (2). Last evaluated 2025-03-14.

Conditions:
Hereditary cancer-predisposing syndrome. Also called: Neoplastic Syndromes, Hereditary; Hereditary Cancer Syndrome; Tumor predisposition; Hereditary neoplastic syndrome. Identifiers: Orphanet 140162, MedGen C0027672, MeSH D009386, MONDO:0015356.

Submissions (2):

Ambry Genetics
Classification: Uncertain significance for Hereditary cancer-predisposing syndrome. Last evaluated: 2025-03-14. Review status: criteria provided, single submitter. Criteria: Ambry Variant Classification Scheme 2023. Collection method: clinical testing. Allele origin: germline.
Comment: The p.V623L variant (also known as c.1867G>T), located in coding exon 10 of the ALK gene, results from a G to T substitution at nucleotide position 1867. The valine at codon 623 is replaced by leucine, an amino acid with highly similar properties. This amino acid position is conserved. In addition, this alteration is predicted to be tolerated by in silico analysis. Based on the available evidence, the clinical significance of this variant remains unclear.

GeneDx
Classification: Uncertain significance. Last evaluated: 2022-09-27. Review status: criteria provided, single submitter. Criteria: GeneDx Variant Classification Process June 2021. Collection method: clinical testing. Allele origin: germline. Affected: yes.
Comment: Not observed at significant frequency in large population cohorts (gnomAD); In silico analysis supports that this missense variant does not alter protein structure/function; Has not been previously published as pathogenic or benign to our knowledge

NM_004304.5(ALK):c.1867G>T (p.Val623Leu)

Gene: ALK (ALK receptor tyrosine kinase; minus strand). Cytogenetic location: 2p23.2.
Variant type: single nucleotide variant.
Coding change: c.1867G>T on transcript NM_004304.5 (MANE Select); coding-DNA position 1867, G replaced by T.
Protein change: p.Val623Leu; replaces valine 623 with leucine.
Molecular consequence: missense variant.
Genome position (GRCh38, 1-based): chr2:29,275,447, C>A on the plus strand (G>T on the coding strand, the complement: ALK is on the minus strand). VCF-style: chr2-29275447-C-A. GRCh37 (hg19) VCF-style: chr2-29498313-C-A.
Other names: short protein forms V623L.
Identifiers: ClinVar variation 2446073 (VCV002446073.2), dbSNP rs768256091, ClinGen allele CA346479949.